The following is an entry in ClinVar:

ClinVar aggregate classification (germline): Uncertain significance (1 of 4 stars; one submission).

Submission:

Labcorp Genetics (formerly Invitae), Labcorp
Classification: Uncertain significance. Last evaluated: 2021-03-28. Review status: criteria provided, single submitter. Criteria: Invitae Variant Classification Sherloc (09022015). Collection method: clinical testing. Allele origin: germline.
Comment: This variant is not present in population databases (ExAC no frequency). In summary, the available evidence is currently insufficient to determine the role of this variant in disease. Therefore, it has been classified as a Variant of Uncertain Significance. Algorithms developed to predict the effect of missense changes on protein structure and function (SIFT, PolyPhen-2, Align-GVGD) all suggest that this variant is likely to be tolerated, but these predictions have not been confirmed by published functional studies and their clinical significance is uncertain. This variant has not been reported in the literature in individuals with EMC1-related conditions. This sequence change replaces isoleucine with threonine at codon 106 of the EMC1 protein (p.Ile106Thr). The isoleucine residue is moderately conserved and there is a moderate physicochemical difference between isoleucine and threonine.

NM_015047.3(EMC1):c.317T>C (p.Ile106Thr)

Gene: EMC1 (ER membrane protein complex subunit 1; minus strand). Cytogenetic location: 1p36.13.
Variant type: single nucleotide variant.
Coding change: c.317T>C on transcript NM_015047.3 (MANE Select); coding-DNA position 317, T replaced by C.
Protein change: p.Ile106Thr; replaces isoleucine 106 with threonine.
Molecular consequence: missense variant.
Genome position (GRCh38, 1-based): chr1:19,243,677, A>G on the plus strand (T>C on the coding strand, the complement: EMC1 is on the minus strand). VCF-style: chr1-19243677-A-G. GRCh37 (hg19) VCF-style: chr1-19570171-A-G.
Other names: c.317T>C, p.Ile106Thr (NM_001271427.2, NM_001271428.2, NM_001375820.1 and 1 more transcripts); c.251T>C, p.Ile84Thr (NM_001271429.2); short protein forms I106T, I84T.
Identifiers: ClinVar variation 1520855 (VCV001520855.8), dbSNP rs2151962535, ClinGen allele CA338772259.
Genomic context (GRCh38, chr1:19,243,677, plus strand): 5'-CCACTGTCCAGGGTTATCTCCCAGTTCAGGCCCCCGATGTTAGTCTCCCAGGAACGCATG[A>G]TTCGGCCTCCATTGGACACAGTGATCACATCTGGAAAAGAAAAGATCGTGGTGAAGTCAT-3'
Protein context (NP_055862.1, residues 96-116): DVITVSNGGR[Ile106Thr]MRSWETNIGG